The following is an entry in ClinVar:

NM_006306.4(SMC1A):c.2252T>C (p.Ile751Thr)

Gene: SMC1A (structural maintenance of chromosomes 1A; minus strand). Cytogenetic location: Xp11.22.
Variant type: single nucleotide variant.
Coding change: c.2252T>C on transcript NM_006306.4 (MANE Select); coding-DNA position 2252, T replaced by C.
Protein change: p.Ile751Thr; replaces isoleucine 751 with threonine.
Molecular consequence: missense variant.
Genome position (GRCh38, 1-based): chrX:53,403,838, A>G on the plus strand (T>C on the coding strand, the complement: SMC1A is on the minus strand). VCF-style: chrX-53403838-A-G. GRCh37 (hg19) VCF-style: chrX-53430770-A-G.
Other names: c.2186T>C, p.Ile729Thr (NM_001281463.1); short protein forms I729T, I751T.
Identifiers: ClinVar variation 3905913 (VCV003905913.10).

ClinVar aggregate classification (germline): Uncertain significance (1 of 4 stars; one submission).

Submission:

CeGaT Center for Human Genetics Tuebingen
Classification: Uncertain significance. Last evaluated: 2025-05-01. Review status: criteria provided, single submitter. Criteria: CeGaT Center For Human Genetics Tuebingen Variant Classification Criteria Version 2. Collection method: clinical testing. Allele origin: germline. Affected: yes. Observed: 2 variant alleles.
Comment: SMC1A: PM2, PP2, PP3